The following is an entry in ClinVar:

NM_032608.7(MYO18B):c.3617C>G (p.Pro1206Arg)

Gene: MYO18B (myosin XVIIIB; plus strand). Cytogenetic location: 22q12.1.
Variant type: single nucleotide variant.
Coding change: c.3617C>G on transcript NM_032608.7 (MANE Select); coding-DNA position 3617, C replaced by G.
Protein change: p.Pro1206Arg; replaces proline 1206 with arginine.
Molecular consequence: missense variant.
Genome position (GRCh38, 1-based): chr22:25,847,494, C>G. VCF-style: chr22-25847494-C-G. GRCh37 (hg19) VCF-style: chr22-26243461-C-G.
Other names: c.3617C>G (NM_032608.5); c.3620C>G, p.Pro1207Arg (NM_001318245.2); short protein forms P1207R, P1206R.
Identifiers: ClinVar variation 1935172 (VCV001935172.6), dbSNP rs369924325, ClinGen allele CA10160618.

ClinVar aggregate classification (germline): Uncertain significance. Review status: criteria provided, multiple submitters, no conflicts (2 of 4 stars). 2 submissions from 2 submitters: Uncertain significance (2). Last evaluated 2023-01-09.

Allele frequency attached by ClinVar (database versions not stated): ExAC 0.00003; gnomAD 0.00004; TOPMed 0.00004; ESP Exome Variant Server 0.00008.
gnomAD v4.1: 10 of 1,582,266 alleles (0.00063%); highest among the groups gnomAD compares: African/African-American, 0.013%; no homozygotes.

Submissions (2):

GeneDx
Classification: Uncertain significance. Last evaluated: 2023-01-09. Review status: criteria provided, single submitter. Criteria: GeneDx Variant Classification Process June 2021. Collection method: clinical testing. Allele origin: germline. Affected: yes.
Comment: Not observed at significant frequency in large population cohorts (gnomAD); In silico analysis supports that this missense variant does not alter protein structure/function; Has not been previously published as pathogenic or benign to our knowledge

Labcorp Genetics (formerly Invitae), Labcorp
Classification: Uncertain significance. Last evaluated: 2022-01-05. Review status: criteria provided, single submitter. Criteria: Invitae Variant Classification Sherloc (09022015). Collection method: clinical testing. Allele origin: germline.
Comment: In summary, the available evidence is currently insufficient to determine the role of this variant in disease. Therefore, it has been classified as a Variant of Uncertain Significance. Algorithms developed to predict the effect of missense changes on protein structure and function are either unavailable or do not agree on the potential impact of this missense change (SIFT: "Not Available"; PolyPhen-2: "Benign"; Align-GVGD: "Not Available"). This variant has not been reported in the literature in individuals affected with MYO18B-related conditions. This variant is present in population databases (rs369924325, gnomAD 0.009%). This sequence change replaces proline, which is neutral and non-polar, with arginine, which is basic and polar, at codon 1206 of the MYO18B protein (p.Pro1206Arg).